The following is an entry in ClinVar:

NM_001146.5(ANGPT1):c.197C>T (p.Ala66Val)

Gene: ANGPT1 (angiopoietin 1; minus strand). Cytogenetic location: 8q23.1.
Variant type: single nucleotide variant.
Coding change: c.197C>T on transcript NM_001146.5 (MANE Select); coding-DNA position 197, C replaced by T.
Protein change: p.Ala66Val; replaces alanine 66 with valine.
Molecular consequence: missense variant.
Genome position (GRCh38, 1-based): chr8:107,497,362, G>A on the plus strand (C>T on the coding strand, the complement: ANGPT1 is on the minus strand). VCF-style: chr8-107497362-G-A. GRCh37 (hg19) VCF-style: chr8-108509590-G-A.
Other names: c.197C>T, p.Ala66Val (NM_001199859.3); short protein forms A66V.
Identifiers: ClinVar variation 2996498 (VCV002996498.3), dbSNP rs1361689240, ClinGen allele CA372035312.
Genomic context (GRCh38, chr8:107,497,362, plus strand): 5'-AGATGTTGAAGTTTCTGGGAAGAGAAATCCGGTTCCACGTGTGGAGCATCTCTCTGCAGA[G>A]CGTTTGTGTTGTACTGGTCTGTCGTACTCTCACGACAGTTGCCATCGTGTTCTGGAAGAA-3'
Protein context (NP_001137.2, residues 56-76): ESTTDQYNTN[Ala66Val]LQRDAPHVEP

ClinVar aggregate classification (germline): Uncertain significance (1 of 4 stars; one submission).

Submission:

Labcorp Genetics (formerly Invitae), Labcorp
Classification: Uncertain significance. Last evaluated: 2022-12-16. Review status: criteria provided, single submitter. Criteria: Invitae Variant Classification Sherloc (09022015). Collection method: clinical testing. Allele origin: germline.
Comment: This sequence change replaces alanine, which is neutral and non-polar, with valine, which is neutral and non-polar, at codon 66 of the ANGPT1 protein (p.Ala66Val). This variant is not present in population databases (gnomAD no frequency). This variant has not been reported in the literature in individuals affected with ANGPT1-related conditions. Algorithms developed to predict the effect of missense changes on protein structure and function are either unavailable or do not agree on the potential impact of this missense change (SIFT: "Deleterious"; PolyPhen-2: "Possibly Damaging"; Align-GVGD: "Class C0"). In summary, the available evidence is currently insufficient to determine the role of this variant in disease. Therefore, it has been classified as a Variant of Uncertain Significance.